The following is an entry in ClinVar:

ClinVar aggregate classification (germline): Uncertain significance. Review status: criteria provided, multiple submitters, no conflicts (2 of 4 stars). 3 submissions from 3 submitters: Uncertain significance (2). 1 of the submissions does not count toward it. Last evaluated 2023-07-18.

Conditions:
Glycogen storage disease type III (GSD3). Also called: Cori disease; FORBES DISEASE. Identifiers: Orphanet 366, MedGen C0017922, MONDO:0009291, OMIM 232400.

gnomAD v4.1: 26 of 1,614,116 alleles (0.0016%); highest among the groups gnomAD compares: South Asian, 0.02%; no homozygotes.

Submissions (3):

Blueprint Genetics
Classification: Uncertain significance. Last evaluated: 2023-07-18. Review status: criteria provided, single submitter. Criteria: ACMG Guidelines, 2015. Collection method: clinical testing. Allele origin: germline.

Labcorp Genetics (formerly Invitae), Labcorp
Classification: Uncertain significance for Glycogen storage disease type III. Last evaluated: 2022-09-27. Review status: criteria provided, single submitter. Criteria: Invitae Variant Classification Sherloc (09022015). Collection method: clinical testing. Allele origin: germline.
Comment: This sequence change replaces glycine, which is neutral and non-polar, with cysteine, which is neutral and slightly polar, at codon 697 of the AGL protein (p.Gly697Cys). This variant is present in population databases (rs771211030, gnomAD 0.02%). This variant has not been reported in the literature in individuals affected with AGL-related conditions. ClinVar contains an entry for this variant (Variation ID: 526586). Advanced modeling of protein sequence and biophysical properties (such as structural, functional, and spatial information, amino acid conservation, physicochemical variation, residue mobility, and thermodynamic stability) performed at Invitae indicates that this missense variant is expected to disrupt AGL protein function. In summary, the available evidence is currently insufficient to determine the role of this variant in disease. Therefore, it has been classified as a Variant of Uncertain Significance.

Natera, Inc.
Classification: Uncertain significance for Glycogen storage disease type III. Last evaluated: 2019-10-28. Review status: no assertion criteria provided. Collection method: clinical testing. Allele origin: germline. Not counted in ClinVar's aggregate classification.

NM_000642.3(AGL):c.2089G>T (p.Gly697Cys)

Gene: AGL (amylo-alpha-1,6-glucosidase and 4-alpha-glucanotransferase; plus strand). Cytogenetic location: 1p21.2.
Variant type: single nucleotide variant.
Coding change: c.2089G>T on transcript NM_000642.3 (MANE Select); coding-DNA position 2089, G replaced by T.
Protein change: p.Gly697Cys; replaces glycine 697 with cysteine.
Molecular consequence: missense variant.
Genome position (GRCh38, 1-based): chr1:99,881,379, G>T. VCF-style: chr1-99881379-G-T. GRCh37 (hg19) VCF-style: chr1-100346935-G-T.
Other names: c.2089G>T, p.Gly697Cys (NM_000028.3, NM_000643.3, NM_000644.3 and 2 more transcripts); c.2041G>T, p.Gly681Cys (NM_000646.3); c.1888G>T, p.Gly630Cys (NM_001425327.1); c.1885G>T, p.Gly629Cys (NM_001425328.1, NM_001425329.1); c.1711G>T, p.Gly571Cys (NM_001425332.1); short protein forms G697C, G681C, G571C, G629C, G630C.
Identifiers: ClinVar variation 526586 (VCV000526586.5), dbSNP rs771211030, ClinGen allele CA966691.